The following is an entry in ClinVar:

ClinVar aggregate classification (germline): Uncertain significance (1 of 4 stars; one submission).

Conditions:
Dilated cardiomyopathy 1Z (CMD1Z). Identifiers: Orphanet 154, MedGen C2678475, MONDO:0012745, OMIM 611879.
Hypertrophic cardiomyopathy 13. Also called: TNNC1-Related Familial Hypertrophic Cardiomyopathy. Identifiers: MedGen C2750472, MONDO:0013195, OMIM 613243.

Submission:

Labcorp Genetics (formerly Invitae), Labcorp
Classification: Uncertain significance for Hypertrophic cardiomyopathy 13; Dilated cardiomyopathy 1Z. Last evaluated: 2021-08-26. Review status: criteria provided, single submitter. Criteria: Invitae Variant Classification Sherloc (09022015). Collection method: clinical testing. Allele origin: germline.
Comment: This sequence change replaces arginine with serine at codon 102 of the TNNC1 protein (p.Arg102Ser). The arginine residue is highly conserved and there is a moderate physicochemical difference between arginine and serine. This variant is not present in population databases (ExAC no frequency). This variant has not been reported in the literature in individuals affected with TNNC1-related conditions. Algorithms developed to predict the effect of missense changes on protein structure and function are either unavailable or do not agree on the potential impact of this missense change (SIFT: "Deleterious"; PolyPhen-2: "Benign"; Align-GVGD: "Class C35"). Algorithms developed to predict the effect of sequence changes on RNA splicing suggest that this variant may create or strengthen a splice site. In summary, the available evidence is currently insufficient to determine the role of this variant in disease. Therefore, it has been classified as a Variant of Uncertain Significance.

NM_003280.3(TNNC1):c.304C>A (p.Arg102Ser)

Gene: TNNC1 (troponin C1, slow skeletal and cardiac type; minus strand). Cytogenetic location: 3p21.1.
Variant type: single nucleotide variant.
Coding change: c.304C>A on transcript NM_003280.3 (MANE Select); coding-DNA position 304, C replaced by A.
Protein change: p.Arg102Ser; replaces arginine 102 with serine.
Molecular consequence: missense variant.
Genome position (GRCh38, 1-based): chr3:52,451,757, G>T on the plus strand (C>A on the coding strand, the complement: TNNC1 is on the minus strand). VCF-style: chr3-52451757-G-T. GRCh37 (hg19) VCF-style: chr3-52485773-G-T.
Other names: short protein forms R102S.
Identifiers: ClinVar variation 946356 (VCV000946356.4), dbSNP rs370103102, ClinGen allele CA353166983.